The following is an entry in ClinVar:

ClinVar aggregate classification (germline): Pathogenic/Likely pathogenic. Review status: criteria provided, multiple submitters, no conflicts (2 of 4 stars). 2 submissions from 2 submitters: Pathogenic (1); Likely pathogenic (1). Last evaluated 2023-06-04.

Conditions:
Aplastic anemia. Identifiers: Orphanet 182040, Orphanet 88, MedGen C0002874, MONDO:0015909, OMIM 609135, HP:0001915.
Microcephaly, normal intelligence and immunodeficiency (NBS). Also called: IMMUNODEFICIENCY, MICROCEPHALY, AND CHROMOSOMAL INSTABILITY; SEEMANOVA SYNDROME II; Nijmegen breakage syndrome; Microcephaly with normal intelligence immunodeficiency and lymphoreticular malignancies; Nonsyndromal microcephaly autosomal recessive with normal intelligence; Seemanova syndrome 2. Identifiers: Orphanet 647, MedGen C0398791, MONDO:0009623, OMIM 251260.

Submissions (2):

Baylor Genetics
Classification: Likely pathogenic for Aplastic anemia. Last evaluated: 2023-06-04. Review status: criteria provided, single submitter. Criteria: ACMG Guidelines, 2015. Collection method: clinical testing. Allele origin: unknown.

Labcorp Genetics (formerly Invitae), Labcorp
Classification: Pathogenic for Microcephaly, normal intelligence and immunodeficiency. Last evaluated: 2023-01-22. Review status: criteria provided, single submitter. Criteria: Invitae Variant Classification Sherloc (09022015). Collection method: clinical testing. Allele origin: germline.
Comment: For these reasons, this variant has been classified as Pathogenic. This variant has not been reported in the literature in individuals affected with NBN-related conditions. This variant is not present in population databases (gnomAD no frequency). This sequence change creates a premature translational stop signal (p.Lys408*) in the NBN gene. It is expected to result in an absent or disrupted protein product. Loss-of-function variants in NBN are known to be pathogenic (PMID: 9590180, 16415040).

Literature cited by the submitters: PubMed 9590180 (cited by Labcorp Genetics (formerly Invitae), Labcorp); PubMed 16415040 (cited by Labcorp Genetics (formerly Invitae), Labcorp).

NM_002485.5(NBN):c.1222A>T (p.Lys408Ter)

Gene: NBN (nibrin; minus strand). Cytogenetic location: 8q21.3.
Variant type: single nucleotide variant.
Coding change: c.1222A>T on transcript NM_002485.5 (MANE Select); coding-DNA position 1222, A replaced by T.
Protein change: p.Lys408Ter; replaces lysine 408 with a stop codon.
Molecular consequence: nonsense.
Genome position (GRCh38, 1-based): chr8:89,955,458, T>A on the plus strand (A>T on the coding strand, the complement: NBN is on the minus strand). VCF-style: chr8-89955458-T-A. GRCh37 (hg19) VCF-style: chr8-90967686-T-A.
Other names: c.976A>T, p.Lys326Ter (NM_001024688.3); short protein forms K326*, K408*.
Identifiers: ClinVar variation 2676942 (VCV002676942.4), dbSNP rs34120922, ClinGen allele CA371656328.